The following is an entry in ClinVar:

ClinVar aggregate classification (germline): Pathogenic (3 of 4 stars; one submission).

Conditions:
Breast-ovarian cancer, familial, susceptibility to, 1 (BROVCA1). Also called: BRCA1 Hereditary Breast and Ovarian Cancer; OVARIAN CANCER, SUSCEPTIBILITY TO. Identifiers: Orphanet 145, MedGen C2676676, MONDO:0011450, OMIM 604370. Disease mechanism: loss of function.

Submission:

Evidence-based Network for the Interpretation of Germline Mutant Alleles (ENIGMA)
Classification: Pathogenic for Breast-ovarian cancer, familial, susceptibility to, 1. Last evaluated: 2016-10-18. Review status: reviewed by expert panel. Criteria: ENIGMA BRCA1/2 Classification Criteria (2015). Collection method: curation. Allele origin: germline.
Comment: Variant allele predicted to encode a truncated non-functional protein.

NM_007294.4(BRCA1):c.5536del (p.Gln1846fs)

Gene: BRCA1 (BRCA1 DNA repair associated; minus strand). Cytogenetic location: 17q21.31.
Variant type: Deletion.
Coding change: c.5536del on transcript NM_007294.4 (MANE Select); coding-DNA position 5536, one base deleted (C; older notation c.5536delC).
Protein change: p.Gln1846fs; shifts the reading frame from glutamine 1846.
Molecular consequence: frameshift variant. On other transcripts: 3 prime UTR variant (1), non-coding transcript variant (1).
Genome position (GRCh38, 1-based): chr17:43,045,734, G deleted on the plus strand (C on the coding strand, the reverse complement: BRCA1 is on the minus strand); the first of 2 consecutive G bases (chr17:43,045,734-43,045,735); deleting either gives the same sequence. VCF-style (leftmost placement, unchanged base first): chr17-43045733-TG-T. GRCh37 (hg19) VCF-style: chr17-41197750-TG-T.
Other names: 5655delC; c.2226delC, p.Gln743Serfs (NM_001407977.1, NM_001407978.1, NM_001407973.1 and 3 more transcripts); c.2223delC, p.Gln742Serfs (NM_001407979.1, NM_001407980.1, NM_001407981.1 and 11 more transcripts); c.2220delC, p.Gln741Serfs (NM_001408392.1, NM_001408396.1, NM_001408397.1 and 7 more transcripts); c.2217delC, p.Gln740Serfs (NM_001408406.1, NM_001408407.1, NM_001408408.1); c.2214delC, p.Gln739Serfs (NM_001408409.1); c.2151delC, p.Gln718Serfs (NM_001408410.1); c.2148delC, p.Gln717Serfs (NM_001408411.1); and 78 more; short protein forms Q1867fs, Q742fs, Q1846fs, Q1799fs.
Identifiers: ClinVar variation 266560 (VCV000266560.4), dbSNP rs886040301, ClinGen allele CA10589584.